The following is an entry in ClinVar:

ClinVar aggregate classification (germline): Uncertain significance (1 of 4 stars; one submission).

Conditions:
Catecholaminergic polymorphic ventricular tachycardia (CVPT). Also called: Catecholamine-induced polymorphic ventricular tachycardia. Identifiers: Orphanet 3286, MedGen C5574922, MONDO:0017990.

Allele frequency attached by ClinVar (database versions not stated): gnomAD exomes 0.00001.
gnomAD v4.1: 8 of 1,605,558 alleles (0.0005%); highest among the groups gnomAD compares: Non-Finnish European, 0.0006%; no homozygotes.

Submission:

All of Us Research Program, National Institutes of Health
Classification: Uncertain significance for Catecholaminergic polymorphic ventricular tachycardia. Last evaluated: 2023-04-03. Review status: criteria provided, single submitter. Criteria: ACMG Guidelines, 2015. Collection method: clinical testing. Allele origin: germline. Inheritance: Autosomal dominant inheritance. Observed: 1 variant allele, 1 heterozygote.
Comment: This missense variant replaces valine with glycine at codon 961 of the RYR2 protein. Computational prediction is inconclusive regarding the impact of this variant on protein structure and function (internally defined REVEL score threshold 0.5 < inconclusive < 0.7, PMID: 27666373). To our knowledge, functional studies have not been reported for this variant. This variant has not been reported in individuals affected with RYR2-related disorders in the literature. This variant has not been identified in the general population by the Genome Aggregation Database (gnomAD). The available evidence is insufficient to determine the role of this variant in disease conclusively. Therefore, this variant is classified as a Variant of Uncertain Significance.

This study involves interpretation of variants in research participants for the purpose of population health screening. Participant phenotype was not available at the time of variant classification. Additional details can be found in publication PMID: 35346344, PMCID: PMC8962531

NM_001035.3(RYR2):c.2882T>G (p.Val961Gly)

Gene: RYR2 (ryanodine receptor 2; plus strand). Cytogenetic location: 1q43.
Variant type: single nucleotide variant.
Coding change: c.2882T>G on transcript NM_001035.3 (MANE Select); coding-DNA position 2882, T replaced by G.
Protein change: p.Val961Gly; replaces valine 961 with glycine.
Molecular consequence: missense variant.
Genome position (GRCh38, 1-based): chr1:237,530,486, T>G. VCF-style: chr1-237530486-T-G. GRCh37 (hg19) VCF-style: chr1-237693786-T-G.
Other names: short protein forms V961G.
Identifiers: ClinVar variation 3070181 (VCV003070181.1), dbSNP rs2546109126, ClinGen allele CA070307.